The following is an entry in ClinVar:

NM_020937.4(FANCM):c.5530del (p.Gln1844fs)

Gene: FANCM (FA complementation group M; plus strand). Cytogenetic location: 14q21.2.
Variant type: Deletion.
Coding change: c.5530del on transcript NM_020937.4 (MANE Select); coding-DNA position 5530, one base deleted (C; older notation c.5530delC).
Protein change: p.Gln1844fs; shifts the reading frame from glutamine 1844.
Molecular consequence: frameshift variant.
Genome position (GRCh38, 1-based): chr14:45,196,361, C deleted. VCF-style (leftmost placement, unchanged base first): chr14-45196360-GC-G. GRCh37 (hg19) VCF-style: chr14-45665563-GC-G.
Other names: c.5452del, p.Gln1818fs (NM_001308133.2); short protein forms Q1844fs, Q1818fs.
Identifiers: ClinVar variation 958703 (VCV000958703.7), dbSNP rs778451008, ClinGen allele CA7170016.
Genomic context (GRCh38, chr14:45,196,360, plus strand): 5'-TGGTCATGAAATCACTTCTGGATTAGAAGTAATTTCTTCCCTAAGAGCAATTCATGGGTT[GC>G]AAGTAGAAGTTTGTCCTCTTAATGGCTGTGATTACATCGTGAGTAATCGCATGGTGGTGG-3'

ClinVar aggregate classification (germline): Pathogenic (1 of 4 stars; one submission).

Conditions:
Fanconi anemia (FA). Also called: Fanconi's anemia. Identifiers: Orphanet 84, MedGen C0015625, MeSH D005199, MONDO:0019391.

Allele frequency attached by ClinVar (database versions not stated): gnomAD exomes below 0.00001 and 0.00001; gnomAD 0.00001; ExAC 0.00002; TOPMed 0.00002.

Submission:

Labcorp Genetics (formerly Invitae), Labcorp
Classification: Pathogenic for Fanconi anemia. Last evaluated: 2025-09-03. Review status: criteria provided, single submitter. Criteria: Invitae Variant Classification Sherloc (09022015). Collection method: clinical testing. Allele origin: germline.
Comment: This sequence change creates a premature translational stop signal (p.Gln1844Lysfs*2) in the FANCM gene. It is expected to result in an absent or disrupted protein product. Loss-of-function variants in FANCM are known to be pathogenic (PMID: 29895858, 30075111). This variant is present in population databases (rs778451008, gnomAD 0.02%). This variant has not been reported in the literature in individuals affected with FANCM-related conditions. ClinVar contains an entry for this variant (Variation ID: 958703). For these reasons, this variant has been classified as Pathogenic.

Literature cited by the submitters: PubMed 29895858; PubMed 30075111.